The following is an entry in ClinVar:

ClinVar aggregate classification (germline): Uncertain significance (1 of 4 stars; one submission).

Allele frequency attached by ClinVar (database versions not stated): gnomAD exomes below 0.00001 and 0.00001; ExAC 0.00001.
gnomAD v4.1: 2 of 1,613,912 alleles (0.00012%); highest among the groups gnomAD compares: Admixed American, 0.0017%; no homozygotes.

Submission:

Labcorp Genetics (formerly Invitae), Labcorp
Classification: Uncertain significance. Last evaluated: 2021-01-09. Review status: criteria provided, single submitter. Criteria: Invitae Variant Classification Sherloc (09022015). Collection method: clinical testing. Allele origin: germline.
Comment: In summary, the available evidence is currently insufficient to determine the role of this variant in disease. Therefore, it has been classified as a Variant of Uncertain Significance. Algorithms developed to predict the effect of missense changes on protein structure and function are either unavailable or do not agree on the potential impact of this missense change (SIFT: "Not Available"; PolyPhen-2: "Probably Damaging"; Align-GVGD: "Not Available"). This variant has not been reported in the literature in individuals with TRAPPC9-related conditions. This variant is present in population databases (rs759966668, ExAC 0.006%). This sequence change replaces proline with serine at codon 964 of the TRAPPC9 protein (p.Pro964Ser). The proline residue is moderately conserved and there is a moderate physicochemical difference between proline and serine.

NM_001160372.4(TRAPPC9):c.2596C>T (p.Pro866Ser)

Gene: TRAPPC9 (trafficking protein particle complex subunit 9; minus strand). Cytogenetic location: 8q24.3.
Variant type: single nucleotide variant.
Coding change: c.2596C>T on transcript NM_001160372.4 (MANE Select); coding-DNA position 2596, C replaced by T.
Protein change: p.Pro866Ser; replaces proline 866 with serine.
Molecular consequence: missense variant. On other transcripts: non-coding transcript variant (1).
Genome position (GRCh38, 1-based): chr8:140,024,040, G>A on the plus strand (C>T on the coding strand, the complement: TRAPPC9 is on the minus strand). VCF-style: chr8-140024040-G-A. GRCh37 (hg19) VCF-style: chr8-141034137-G-A.
Other names: c.2569C>T, p.Pro857Ser (NM_001321646.2); c.2617C>T, p.Pro873Ser (NM_001374682.1); c.2596C>T, p.Pro866Ser (NM_001374683.1, NM_031466.8); c.2452C>T, p.Pro818Ser (NM_001374684.1); short protein forms P873S, P866S, P818S, P857S.
Identifiers: ClinVar variation 1349193 (VCV001349193.6), dbSNP rs759966668, ClinGen allele CA4893026.
Genomic context (GRCh38, chr8:140,024,040, plus strand): 5'-GCTCGACTTCTACATGCAGCCCCAGGGAGAGATTCCTGTAATATCCTTCAGTGTGGCCCG[G>A]GCCTCCAGAGTATTTGAAATTCAGGACAGCTTCCAGGGTCTAAAAGATATTAAAAAAAAA-3'
Protein context (NP_001153844.1, residues 856-876): AVLNFKYSGG[Pro866Ser]GHTEGYYRNL